The following is an entry in ClinVar:

NM_004782.4(SNAP29):c.*1519T>C

Gene: SNAP29 (synaptosome associated protein 29; plus strand). Cytogenetic location: 22q11.21.
Variant type: single nucleotide variant.
Coding change: c.*1519T>C on transcript NM_004782.4 (MANE Select); 1519 bases downstream of the stop codon, T replaced by C.
Molecular consequence: 3 prime UTR variant.
Genome position (GRCh38, 1-based): chr22:20,889,355, T>C. VCF-style: chr22-20889355-T-C. GRCh37 (hg19) VCF-style: chr22-21243643-T-C.
Identifiers: ClinVar variation 340864 (VCV000340864.6), dbSNP rs165861, ClinGen allele CA10645142.
Genomic context (GRCh38, chr22:20,889,355, plus strand): 5'-TTATGTAGCAATTTGTTTATAAAAATTCCCATCCCATAATGCATGACCTTCCTAAAAATA[T>C]CCACAGCCTCCATAGGCAAGGTGAGCTTTCTGTGCTACCCACTTGTTAGATTCCAGCCAC-3'

ClinVar aggregate classification (germline): Benign. Review status: criteria provided, multiple submitters, no conflicts (2 of 4 stars). 2 submissions from 2 submitters: Benign (2). Last evaluated 2018-01-12.

Conditions:
CEDNIK syndrome. Also called: CEREBRAL DYSGENESIS, NEUROPATHY, ICHTHYOSIS, AND PALMOPLANTAR KERATODERMA SYNDROME; Cerebral dysgenesis, neuropathy, ichthyosis, and palmoplantar keratoderma. Identifiers: Orphanet 66631, MedGen C1836033, MONDO:0012290, OMIM 609528.

Allele frequency attached by ClinVar (database versions not stated): gnomAD 0.37664 and 0.37966; TOPMed 0.40321; 1000 Genomes Project 0.40974; 1000 Genomes Project 30x 0.41443.

Submissions (2):

Illumina Laboratory Services, Illumina
Classification: Benign for CEDNIK syndrome. Last evaluated: 2018-01-12. Review status: criteria provided, single submitter. Criteria: ICSL Variant Classification Criteria 13 December 2019. Collection method: clinical testing. Allele origin: germline.
Comment: This variant was observed in the ICSL laboratory as part of a predisposition screen in an ostensibly healthy population. It had not been previously curated by ICSL or reported in the Human Gene Mutation Database (HGMD: prior to June 1st, 2018), and was therefore a candidate for classification through an automated scoring system. Utilizing variant allele frequency, disease prevalence and penetrance estimates, and inheritance mode, an automated score was calculated to assess if this variant is too frequent to cause the disease. Based on the score and internal cut-off values, a variant classified as benign is not then subjected to further curation. The score for this variant resulted in a classification of benign for this disease.

Breakthrough Genomics
Classification: Benign. Review status: criteria provided, single submitter. Criteria: ACMG Guidelines, 2015. Collection method: not provided. Allele origin: germline. Inheritance: Autosomal recessive inheritance. Affected: yes.